The following is an entry in ClinVar:

NM_000264.5(PTCH1):c.1207T>C (p.Tyr403His)

Gene: PTCH1 (patched 1; minus strand). Cytogenetic location: 9q22.32.
Variant type: single nucleotide variant.
Coding change: c.1207T>C on transcript NM_000264.5 (MANE Select); coding-DNA position 1207, T replaced by C.
Protein change: p.Tyr403His; replaces tyrosine 403 with histidine.
Molecular consequence: missense variant. On other transcripts: non-coding transcript variant (1).
Genome position (GRCh38, 1-based): chr9:95,479,008, A>G on the plus strand (T>C on the coding strand, the complement: PTCH1 is on the minus strand). VCF-style: chr9-95479008-A-G. GRCh37 (hg19) VCF-style: chr9-98241290-A-G.
Other names: c.754T>C, p.Tyr252His (NM_001083606.3, NM_001083607.3, NM_001083604.3 and 1 more transcripts); c.1207T>C, p.Tyr403His (NM_001354918.2); c.1009T>C, p.Tyr337His (NM_001083602.3); c.1204T>C, p.Tyr402His (NM_001083603.3); short protein forms Y403H, Y337H, Y252H, Y402H.
Identifiers: ClinVar variation 524513 (VCV000524513.12), dbSNP rs1349048226, ClinGen allele CA374119223.

ClinVar aggregate classification (germline): Conflicting classifications of pathogenicity. Review status: criteria provided, conflicting classifications (1 of 4 stars). 2 submissions from 2 submitters: Uncertain significance (1); Benign (1). Last evaluated 2026-01-04.

Conditions:
Hereditary cancer-predisposing syndrome. Also called: Neoplastic Syndromes, Hereditary; Tumor predisposition; Hereditary Cancer Syndrome; Hereditary neoplastic syndrome. Identifiers: Orphanet 140162, MedGen C0027672, MeSH D009386, MONDO:0015356.
Gorlin syndrome. Also called: Nevoid Basal Cell Carcinoma Syndrome; Basal cell nevus syndrome. Identifiers: Orphanet 377, MedGen C0004779, MONDO:0007187.

Allele frequency attached by ClinVar (database versions not stated): gnomAD exomes 0.00001; gnomAD 0.00002.
gnomAD v4.1: 23 of 1,614,084 alleles (0.0014%); highest among the groups gnomAD compares: Non-Finnish European, 0.0018%; no homozygotes.

Submissions (2):

Labcorp Genetics (formerly Invitae), Labcorp
Classification: Benign for Gorlin syndrome. Last evaluated: 2026-01-04. Review status: criteria provided, single submitter. Criteria: Invitae Variant Classification Sherloc (09022015). Collection method: clinical testing. Allele origin: germline.

Ambry Genetics
Classification: Uncertain significance for Hereditary cancer-predisposing syndrome. Last evaluated: 2024-04-18. Review status: criteria provided, single submitter. Criteria: Ambry Variant Classification Scheme 2023. Collection method: clinical testing. Allele origin: germline.
Comment: The p.Y403H variant (also known as c.1207T>C), located in coding exon 8 of the PTCH1 gene, results from a T to C substitution at nucleotide position 1207. The tyrosine at codon 403 is replaced by histidine, an amino acid with similar properties. This amino acid position is highly conserved in available vertebrate species. In addition, this alteration is predicted to be deleterious by in silico analysis. Since supporting evidence is limited at this time, the clinical significance of this alteration remains unclear.